The following is an entry in ClinVar:

NM_020184.4(CNNM4):c.1588C>T (p.Arg530Cys)

Gene: CNNM4 (cyclin and CBS domain divalent metal cation transport mediator 4; plus strand). Cytogenetic location: 2q11.2.
Variant type: single nucleotide variant.
Coding change: c.1588C>T on transcript NM_020184.4 (MANE Select); coding-DNA position 1588, C replaced by T.
Protein change: p.Arg530Cys; replaces arginine 530 with cysteine.
Molecular consequence: missense variant.
Genome position (GRCh38, 1-based): chr2:96,797,554, C>T. VCF-style: chr2-96797554-C-T. GRCh37 (hg19) VCF-style: chr2-97463291-C-T.
Other names: short protein forms R530C.
Identifiers: ClinVar variation 999959 (VCV000999959.6), dbSNP rs775648616, ClinGen allele CA1783408.
Genomic context (GRCh38, chr2:96,797,554, plus strand): 5'-CACGCTCTTCTTCCGGCAGCTGACAACCGAAGCCGGAAGCGGGTGTCTGAGAAGAACAAG[C>T]GTGACTTCTCTGCCTTCAAGGATGCGGACAATGAGCTCAAAGTGAAAATCTCCCCGCAGC-3'
Protein context (NP_064569.3, residues 520-540): SRKRVSEKNK[Arg530Cys]DFSAFKDADN

ClinVar aggregate classification (germline): Uncertain significance (1 of 4 stars; one submission).

Allele frequency attached by ClinVar (database versions not stated): gnomAD exomes 0.00001; ExAC 0.00002; TOPMed 0.00002.

Submission:

Labcorp Genetics (formerly Invitae), Labcorp
Classification: Uncertain significance. Last evaluated: 2025-01-27. Review status: criteria provided, single submitter. Criteria: Invitae Variant Classification Sherloc (09022015). Collection method: clinical testing. Allele origin: germline.
Comment: This sequence change replaces arginine, which is basic and polar, with cysteine, which is neutral and slightly polar, at codon 530 of the CNNM4 protein (p.Arg530Cys). This variant is present in population databases (rs775648616, gnomAD 0.007%). This variant has not been reported in the literature in individuals affected with CNNM4-related conditions. ClinVar contains an entry for this variant (Variation ID: 999959). Invitae Evidence Modeling of protein sequence and biophysical properties (such as structural, functional, and spatial information, amino acid conservation, physicochemical variation, residue mobility, and thermodynamic stability) indicates that this missense variant is not expected to disrupt CNNM4 protein function with a negative predictive value of 80%. In summary, the available evidence is currently insufficient to determine the role of this variant in disease. Therefore, it has been classified as a Variant of Uncertain Significance.